The following is an entry in ClinVar:

ClinVar aggregate classification (germline): Likely benign (1 of 4 stars; one submission).

Conditions:
PLXNA3-related disorder. Also called: PLXNA3-related condition.

Allele frequency attached by ClinVar (database versions not stated): ESP Exome Variant Server 0.00038; TOPMed 0.00053; gnomAD 0.00055; 1000 Genomes Project 0.00079; 1000 Genomes Project 30x 0.00083.

Submission:

PreventionGenetics, part of Exact Sciences
Classification: Likely benign for PLXNA3-related condition. Last evaluated: 2025-03-29. Review status: criteria provided, single submitter. Criteria: ACMG Guidelines, 2015. Collection method: clinical testing. Allele origin: germline.
Comment: This variant is classified as likely benign based on ACMG/AMP sequence variant interpretation guidelines (Richards et al. 2015 PMID: 25741868, with internal and published modifications).

NM_017514.5(PLXNA3):c.272C>T (p.Ala91Val)

Gene: PLXNA3 (plexin A3; plus strand). Cytogenetic location: Xq28.
Variant type: single nucleotide variant.
Coding change: c.272C>T on transcript NM_017514.5 (MANE Select); coding-DNA position 272, C replaced by T.
Protein change: p.Ala91Val; replaces alanine 91 with valine.
Molecular consequence: missense variant.
Genome position (GRCh38, 1-based): chrX:154,460,455, C>T. VCF-style: chrX-154460455-C-T. GRCh37 (hg19) VCF-style: chrX-153688795-C-T.
Other names: short protein forms A91V.
Identifiers: ClinVar variation 3030281 (VCV003030281.3), dbSNP rs142516376, ClinGen allele CA10563646.